The following is an entry in ClinVar:

NM_000361.3(THBD):c.25G>A (p.Ala9Thr)

Gene: THBD (thrombomodulin; minus strand). Cytogenetic location: 20p11.21.
Variant type: single nucleotide variant.
Coding change: c.25G>A on transcript NM_000361.3 (MANE Select); coding-DNA position 25, G replaced by A.
Protein change: p.Ala9Thr; replaces alanine 9 with threonine.
Molecular consequence: missense variant.
Genome position (GRCh38, 1-based): chr20:23,049,480, C>T on the plus strand (G>A on the coding strand, the complement: THBD is on the minus strand). VCF-style: chr20-23049480-C-T. GRCh37 (hg19) VCF-style: chr20-23030117-C-T.
Other names: short protein forms A9T.
Identifiers: ClinVar variation 1391343 (VCV001391343.6), dbSNP rs1984686897, ClinGen allele CA408408671.

ClinVar aggregate classification (germline): Uncertain significance (1 of 4 stars; one submission).

Submission:

Labcorp Genetics (formerly Invitae), Labcorp
Classification: Uncertain significance. Last evaluated: 2022-08-19. Review status: criteria provided, single submitter. Criteria: Invitae Variant Classification Sherloc (09022015). Collection method: clinical testing. Allele origin: germline.
Comment: This variant has not been reported in the literature in individuals affected with THBD-related conditions. In summary, the available evidence is currently insufficient to determine the role of this variant in disease. Therefore, it has been classified as a Variant of Uncertain Significance. Algorithms developed to predict the effect of missense changes on protein structure and function are either unavailable or do not agree on the potential impact of this missense change (SIFT: "Tolerated"; PolyPhen-2: "Not Available"; Align-GVGD: "Class C0"). ClinVar contains an entry for this variant (Variation ID: 1391343). This variant is not present in population databases (gnomAD no frequency). This sequence change replaces alanine, which is neutral and non-polar, with threonine, which is neutral and polar, at codon 9 of the THBD protein (p.Ala9Thr).